The following is an entry in ClinVar:

ClinVar aggregate classification (germline): Uncertain significance (1 of 4 stars; one submission).

gnomAD v4.1: 57 of 1,541,464 alleles (0.0037%); highest among the groups gnomAD compares: Admixed American, 0.0093%; no homozygotes.

Submission:

Labcorp Genetics (formerly Invitae), Labcorp
Classification: Uncertain significance. Last evaluated: 2024-06-09. Review status: criteria provided, single submitter. Criteria: Invitae Variant Classification Sherloc (09022015). Collection method: clinical testing. Allele origin: germline.
Comment: This sequence change affects codon 849 of the FOCAD mRNA. It is a 'silent' change, meaning that it does not change the encoded amino acid sequence of the FOCAD protein. This variant is present in population databases (rs531413695, gnomAD 0.007%). This variant has not been reported in the literature in individuals affected with FOCAD-related conditions. In summary, the available evidence is currently insufficient to determine the role of this variant in disease. Therefore, it has been classified as a Variant of Uncertain Significance.

NM_001375567.1(FOCAD):c.2547A>G (p.Lys849=)

Gene: FOCAD (focadhesin; plus strand). Cytogenetic location: 9p21.3.
Variant type: single nucleotide variant.
Coding change: c.2547A>G on transcript NM_001375567.1 (MANE Select); coding-DNA position 2547, A replaced by G.
Protein change: p.Lys849=; no amino-acid change (lysine 849 retained).
Molecular consequence: synonymous variant.
Genome position (GRCh38, 1-based): chr9:20,885,152, A>G. VCF-style: chr9-20885152-A-G. GRCh37 (hg19) VCF-style: chr9-20885151-A-G.
Other names: c.2442A>G, p.Lys814= (NM_001375568.1, NM_001375570.1); c.2547A>G, p.Lys849= (NM_017794.5).
Identifiers: ClinVar variation 3665273 (VCV003665273.2).